The following is an entry in ClinVar:

ClinVar aggregate classification (germline): Uncertain significance (1 of 4 stars; one submission).

Allele frequency attached by ClinVar (database versions not stated): gnomAD exomes below 0.00001; TOPMed below 0.00001.
gnomAD v4.1: 2 of 1,605,484 alleles (0.00012%); highest among the groups gnomAD compares: Admixed American, 0.0035%; no homozygotes.

Submission:

Labcorp Genetics (formerly Invitae), Labcorp
Classification: Uncertain significance. Last evaluated: 2024-04-30. Review status: criteria provided, single submitter. Criteria: Invitae Variant Classification Sherloc (09022015). Collection method: clinical testing. Allele origin: germline.
Comment: This sequence change replaces serine, which is neutral and polar, with asparagine, which is neutral and polar, at codon 132 of the PNPLA8 protein (p.Ser132Asn). This variant is not present in population databases (gnomAD no frequency). This variant has not been reported in the literature in individuals affected with PNPLA8-related conditions. ClinVar contains an entry for this variant (Variation ID: 1929016). Algorithms developed to predict the effect of missense changes on protein structure and function output the following: SIFT: "Not Available"; PolyPhen-2: "Benign"; Align-GVGD: "Not Available". The asparagine amino acid residue is found in multiple mammalian species, which suggests that this missense change does not adversely affect protein function. In summary, the available evidence is currently insufficient to determine the role of this variant in disease. Therefore, it has been classified as a Variant of Uncertain Significance.

NM_001256007.3(PNPLA8):c.395G>A (p.Ser132Asn)

Gene: PNPLA8 (patatin like domain 8, phospholipase A2; minus strand). Cytogenetic location: 7q31.1.
Variant type: single nucleotide variant.
Coding change: c.395G>A on transcript NM_001256007.3 (MANE Select); coding-DNA position 395, G replaced by A.
Protein change: p.Ser132Asn; replaces serine 132 with asparagine.
Molecular consequence: missense variant.
Genome position (GRCh38, 1-based): chr7:108,515,097, C>T on the plus strand (G>A on the coding strand, the complement: PNPLA8 is on the minus strand). VCF-style: chr7-108515097-C-T. GRCh37 (hg19) VCF-style: chr7-108155541-C-T.
Other names: c.395G>A, p.Ser132Asn (NM_001256008.3, NM_001256009.3, NM_015723.5); c.95G>A, p.Ser32Asn (NM_001256010.3, NM_001256011.3); short protein forms S32N, S132N.
Identifiers: ClinVar variation 1929016 (VCV001929016.5), dbSNP rs1048176389, ClinGen allele CA164320988.